The following is an entry in ClinVar:

ClinVar aggregate classification (germline): Uncertain significance. Review status: criteria provided, multiple submitters, no conflicts (2 of 4 stars). 2 submissions from 2 submitters: Uncertain significance (2). Last evaluated 2022-06-01.

Conditions:
Hereditary cancer-predisposing syndrome. Also called: Neoplastic Syndromes, Hereditary; Tumor predisposition; Hereditary neoplastic syndrome; Hereditary Cancer Syndrome. Identifiers: Orphanet 140162, MedGen C0027672, MeSH D009386, MONDO:0015356.

Allele frequency attached by ClinVar (database versions not stated): TOPMed below 0.00001; gnomAD 0.00001.
gnomAD v4.1: 2 of 1,610,572 alleles (0.00012%); highest among the groups gnomAD compares: Non-Finnish European, 0.000085%; no homozygotes.

Submissions (2):

Ambry Genetics
Classification: Uncertain significance for Hereditary cancer-predisposing syndrome. Last evaluated: 2022-06-01. Review status: criteria provided, single submitter. Criteria: Ambry Variant Classification Scheme 2023. Collection method: clinical testing. Allele origin: germline.
Comment: The p.D125E variant (also known as c.375T>A), located in coding exon 2 of the CDKN2A gene, results from a T to A substitution at nucleotide position 375. The aspartic acid at codon 125 is replaced by glutamic acid, an amino acid with highly similar properties. This amino acid position is not well conserved in available vertebrate species. In addition, this alteration is predicted to be tolerated by in silico analysis. Since supporting evidence is limited at this time, the clinical significance of this alteration remains unclear.

Women's Health and Genetics/Laboratory Corporation of America, LabCorp
Classification: Uncertain significance. Last evaluated: 2021-11-17. Review status: criteria provided, single submitter. Criteria: LabCorp Variant Classification Summary - May 2015. Collection method: clinical testing. Allele origin: germline.
Comment: Variant summary: CDKN2A c.375T>A (p.Asp125Glu) results in a conservative amino acid change in the encoded protein sequence. Five of five in-silico tools predict a benign effect of the variant on protein function. The variant was absent in 244208 control chromosomes (gnomAD). The available data on variant occurrences in the general population are insufficient to allow any conclusion about variant significance. To our knowledge, no occurrence of c.375T>A in individuals affected with Cutaneous Malignant Melanoma and no experimental evidence demonstrating its impact on protein function have been reported. No clinical diagnostic laboratories have submitted clinical-significance assessments for this variant to ClinVar after 2014. Based on the evidence outlined above, the variant was classified as uncertain significance.

NM_000077.5(CDKN2A):c.375T>A (p.Asp125Glu)

Gene: CDKN2A (cyclin dependent kinase inhibitor 2A; minus strand). Cytogenetic location: 9p21.3.
Variant type: single nucleotide variant.
Coding change: c.375T>A on transcript NM_000077.5; coding-DNA position 375, T replaced by A.
Protein change: p.Asp125Glu; replaces aspartic acid 125 with glutamic acid.
Molecular consequence: missense variant (on NM_000077.6). On other transcripts: 3 prime UTR variant (2).
Genome position (GRCh38, 1-based): chr9:21,970,984, A>T on the plus strand (T>A on the coding strand, the complement: CDKN2A is on the minus strand). VCF-style: chr9-21970984-A-T. GRCh37 (hg19) VCF-style: chr9-21970983-A-T.
Other names: c.375T>A, p.Asp125Glu (NM_000077.6, NM_001195132.2); c.222T>A, p.Asp74Glu (NM_001363763.2); c.*19T>A (NM_058195.4); c.*298T>A (NM_058197.5); short protein forms D125E, D74E.
Identifiers: ClinVar variation 1329079 (VCV001329079.3), dbSNP rs1290057397, ClinGen allele CA373085958.